The following is an entry in ClinVar:

NM_001040108.2(MLH3):c.905T>G (p.Leu302Arg)

Gene: MLH3 (mutL homolog 3; minus strand). Cytogenetic location: 14q24.3.
Variant type: single nucleotide variant.
Coding change: c.905T>G on transcript NM_001040108.2 (MANE Select); coding-DNA position 905, T replaced by G.
Protein change: p.Leu302Arg; replaces leucine 302 with arginine.
Molecular consequence: missense variant.
Genome position (GRCh38, 1-based): chr14:75,048,751, A>C on the plus strand (T>G on the coding strand, the complement: MLH3 is on the minus strand). VCF-style: chr14-75048751-A-C. GRCh37 (hg19) VCF-style: chr14-75515454-A-C.
Other names: c.905T>G, p.Leu302Arg (NM_014381.3); short protein forms L302R.
Identifiers: ClinVar variation 3396635 (VCV003396635.3).
Genomic context (GRCh38, chr14:75,048,751, plus strand): 5'-TCCATGCACACATCATACTCACAGAATTGGCACTGCACATTAATTACATATATGCCATAG[A>C]GTTCTGGGGTAGACCGGTGCCGAAGACTTGAATTCATTTGCCTACTGGTGGGACCATTCT-3'
Protein context (NP_001035197.1, residues 292-312): SSLRHRSTPE[Leu302Arg]YGIYVINVQC

ClinVar aggregate classification (germline): Uncertain significance. Review status: criteria provided, multiple submitters, no conflicts (2 of 4 stars). 3 submissions from 3 submitters: Uncertain significance (3). Last evaluated 2025-03-28.

Conditions:
Endometrial carcinoma. Also called: Endometrial carcinoma, somatic. Identifiers: MedGen C0476089, MONDO:0002447, OMIM 608089, HP:0012114.
Colorectal cancer, hereditary nonpolyposis, type 7. Identifiers: Orphanet 144, MedGen C1858380, MONDO:0013725, OMIM 614385.
Colorectal cancer. Also called: Colorectal cancer, somatic; Malignant Colorectal Neoplasm. Identifiers: MedGen C0346629, MONDO:0005575, OMIM 114500.

Submissions (3):

Labcorp Genetics (formerly Invitae), Labcorp
Classification: Uncertain significance for Colorectal cancer, hereditary nonpolyposis, type 7. Last evaluated: 2025-03-28. Review status: criteria provided, single submitter. Criteria: Invitae Variant Classification Sherloc (09022015). Collection method: clinical testing. Allele origin: germline.
Comment: This sequence change replaces leucine, which is neutral and non-polar, with arginine, which is basic and polar, at codon 302 of the MLH3 protein (p.Leu302Arg). This variant is not present in population databases (gnomAD no frequency). This variant has not been reported in the literature in individuals affected with MLH3-related conditions. ClinVar contains an entry for this variant (Variation ID: 3396635). An algorithm developed to predict the effect of missense changes on protein structure and function (PolyPhen-2) suggests that this variant is likely to be tolerated. In summary, the available evidence is currently insufficient to determine the role of this variant in disease. Therefore, it has been classified as a Variant of Uncertain Significance.

Ambry Genetics
Classification: Uncertain significance. Last evaluated: 2024-09-25. Review status: criteria provided, single submitter. Criteria: Ambry Variant Classification Scheme 2023. Collection method: clinical testing. Allele origin: germline.
Comment: The p.L302R variant (also known as c.905T>G), located in coding exon 1 of the MLH3 gene, results from a T to G substitution at nucleotide position 905. The leucine at codon 302 is replaced by arginine, an amino acid with dissimilar properties. This amino acid position is well conserved in available vertebrate species. In addition, the in silico prediction for this alteration is inconclusive. Based on the available evidence, the clinical significance of this variant remains unclear.

Fulgent Genetics
Classification: Uncertain significance for Colorectal cancer; Endometrial carcinoma; Colorectal cancer, hereditary nonpolyposis, type 7. Last evaluated: 2023-12-29. Review status: criteria provided, single submitter. Criteria: ACMG Guidelines, 2015. Collection method: clinical testing. Allele origin: germline.